The following is an entry in ClinVar:

ClinVar aggregate classification (germline): Uncertain significance. Review status: criteria provided, multiple submitters, no conflicts (2 of 4 stars). 3 submissions from 3 submitters: Uncertain significance (3). Last evaluated 2025-12-09.

Conditions:
Inborn genetic diseases. Identifiers: MedGen C0950123, MeSH D030342.

Allele frequency attached by ClinVar (database versions not stated): gnomAD 0.00001; ExAC 0.00002.

Submissions (3):

Ambry Genetics
Classification: Uncertain significance for Inborn genetic diseases. Last evaluated: 2025-12-09. Review status: criteria provided, single submitter. Criteria: Ambry Variant Classification Scheme 2023. Collection method: clinical testing. Allele origin: germline.

Blueprint Genetics
Classification: Uncertain significance. Last evaluated: 2024-08-01. Review status: criteria provided, single submitter. Criteria: ACMG Guidelines, 2015. Collection method: clinical testing. Allele origin: germline.

Labcorp Genetics (formerly Invitae), Labcorp
Classification: Uncertain significance. Last evaluated: 2023-06-16. Review status: criteria provided, single submitter. Criteria: Invitae Variant Classification Sherloc (09022015). Collection method: clinical testing. Allele origin: germline.
Comment: In summary, the available evidence is currently insufficient to determine the role of this variant in disease. Therefore, it has been classified as a Variant of Uncertain Significance. Advanced modeling of protein sequence and biophysical properties (such as structural, functional, and spatial information, amino acid conservation, physicochemical variation, residue mobility, and thermodynamic stability) has been performed at Invitae for this missense variant, however the output from this modeling did not meet the statistical confidence thresholds required to predict the impact of this variant on FGF23 protein function. This sequence change replaces valine, which is neutral and non-polar, with leucine, which is neutral and non-polar, at codon 126 of the FGF23 protein (p.Val126Leu). This variant is present in population databases (rs771037970, gnomAD 0.002%). This variant has not been reported in the literature in individuals affected with FGF23-related conditions.

NM_020638.3(FGF23):c.376G>C (p.Val126Leu)

Gene: FGF23 (fibroblast growth factor 23; minus strand). Cytogenetic location: 12p13.32.
Variant type: single nucleotide variant.
Coding change: c.376G>C on transcript NM_020638.3 (MANE Select); coding-DNA position 376, G replaced by C.
Protein change: p.Val126Leu; replaces valine 126 with leucine.
Molecular consequence: missense variant.
Genome position (GRCh38, 1-based): chr12:4,370,723, C>G on the plus strand (G>C on the coding strand, the complement: FGF23 is on the minus strand). VCF-style: chr12-4370723-C-G. GRCh37 (hg19) VCF-style: chr12-4479889-C-G.
Other names: c.376G>C (NM_020638.2); short protein forms V126L.
Identifiers: ClinVar variation 2978912 (VCV002978912.5), dbSNP rs771037970, ClinGen allele CA6395695.